The following is an entry in ClinVar:

ClinVar aggregate classification (germline): Uncertain significance (1 of 4 stars; one submission).

Submission:

GeneDx
Classification: Uncertain significance. Last evaluated: 2025-04-02. Review status: criteria provided, single submitter. Criteria: GeneDx Variant Classification Process June 2021. Collection method: clinical testing. Allele origin: germline. Affected: yes.
Comment: Not observed at significant frequency in large population cohorts (gnomAD); In silico analysis supports that this missense variant has a deleterious effect on protein structure/function; Has not been previously published as pathogenic or benign to our knowledge; In silico analysis is inconclusive as to whether the variant alters gene splicing. In the absence of RNA/functional studies, the actual effect of this sequence change is unknown.

NM_020794.2:c.902T>C

Gene: LRRC7 (leucine rich repeat containing 7; plus strand).
Variant type: single nucleotide variant.
Identifiers: ClinVar variation 4278754 (VCV004278754.1).